The following is an entry in ClinVar:

ClinVar aggregate classification (germline): Pathogenic (1 of 4 stars; one submission).

Conditions:
Neurofibromatosis-Noonan syndrome (NFNS). Also called: NEUROFIBROMATOSIS WITH NOONAN PHENOTYPE. Identifiers: Orphanet 638, MedGen C2931482, MONDO:0011035, OMIM 601321. Disease mechanism: loss of function.

Submission:

Institute of Human Genetics, University of Leipzig Medical Center
Classification: Pathogenic for Neurofibromatosis-Noonan syndrome. Last evaluated: 2022-02-28. Review status: criteria provided, single submitter. Criteria: ACMG Guidelines, 2015. Collection method: clinical testing. Allele origin: unknown. Affected: yes.
Comment: _x000D_ Criteria applied: PVS1, PS4_SUP, PM2_SUP

NM_001042492.3(NF1):c.1008_1009delinsAA (p.Trp336_Glu337delinsTer)

Gene: NF1 (neurofibromin 1; plus strand). Cytogenetic location: 17q11.2.
Variant type: Indel.
Coding change: c.1008_1009delinsAA on transcript NM_001042492.3 (MANE Select); coding-DNA positions 1008 to 1009, GG replaced by AA.
Protein change: p.Trp336_Glu337delinsTer.
Molecular consequence: nonsense.
Genome position (GRCh38, 1-based): chr17:31,200,541-31,200,542, GG replaced by AA. VCF-style: chr17-31200541-GG-AA. GRCh37 (hg19) VCF-style: chr17-29527559-GG-AA.
Other names: c.1008_1009delGGinsAA, p.Trp336Ter (NM_000267.4); c.1008_1009delinsAA, p.Trp336_Glu337delinsTer (NM_001128147.3); short protein forms W336*.
Identifiers: ClinVar variation 1342908 (VCV001342908.1), dbSNP rs2143873811, ClinGen allele CA2573054367.